The following is an entry in ClinVar:

NM_001382.4(DPAGT1):c.643+14G>C

Gene: DPAGT1 (dolichyl-phosphate N-acetylglucosaminephosphotransferase 1; minus strand). Cytogenetic location: 11q23.3.
Variant type: single nucleotide variant.
Coding change: c.643+14G>C on transcript NM_001382.4 (MANE Select); 14 bases into the intron after coding-DNA position 643, G replaced by C.
Molecular consequence: intron variant.
Genome position (GRCh38, 1-based): chr11:119,100,248, C>G on the plus strand (G>C on the coding strand, the complement: DPAGT1 is on the minus strand). VCF-style: chr11-119100248-C-G. GRCh37 (hg19) VCF-style: chr11-118970958-C-G.
Identifiers: ClinVar variation 511806 (VCV000511806.6), dbSNP rs536452844, ClinGen allele CA6314583.

ClinVar aggregate classification (germline): Likely benign. Review status: criteria provided, multiple submitters, no conflicts (2 of 4 stars). 3 submissions from 3 submitters: Likely benign (3). Last evaluated 2024-03-29.

Conditions:
DPAGT1-congenital disorder of glycosylation. Also called: CONGENITAL DISORDER OF GLYCOSYLATION, TYPE Ij; CDG Ij; DPAGT1-CDG. Identifiers: Orphanet 86309, MedGen C2931004, MONDO:0011964, OMIM 608093.
Congenital myasthenic syndrome 13 (CMS13). Also called: Myasthenic syndrome, congenital, with tubular aggregates 2; Myasthenic syndrome, congenital, 13, with tubular aggregates. Identifiers: Orphanet 353327, Orphanet 590, MedGen C3553645, MONDO:0013883, OMIM 614750.

Allele frequency attached by ClinVar (database versions not stated): gnomAD 0.00001; TOPMed 0.00002; ExAC 0.00004.
gnomAD v4.1: 30 of 1,614,050 alleles (0.0019%); highest among the groups gnomAD compares: East Asian, 0.049%; no homozygotes.

Submissions (3):

Labcorp Genetics (formerly Invitae), Labcorp
Classification: Likely benign for Congenital myasthenic syndrome 13; DPAGT1-congenital disorder of glycosylation. Last evaluated: 2024-03-29. Review status: criteria provided, single submitter. Criteria: Invitae Variant Classification Sherloc (09022015). Collection method: clinical testing. Allele origin: germline.

Blueprint Genetics
Classification: Likely benign. Last evaluated: 2024-02-13. Review status: criteria provided, single submitter. Criteria: ACMG Guidelines, 2015. Collection method: clinical testing. Allele origin: germline.

GeneDx
Classification: Likely benign. Last evaluated: 2017-09-22. Review status: criteria provided, single submitter. Criteria: GeneDx Variant Classification (06012015). Collection method: clinical testing. Allele origin: germline. Affected: yes.
Comment: This variant is considered likely benign or benign based on one or more of the following criteria: it is a conservative change, it occurs at a poorly conserved position in the protein, it is predicted to be benign by multiple in silico algorithms, and/or has population frequency not consistent with disease.